The following is an entry in ClinVar:

NM_020975.6(RET):c.2890C>G (p.Leu964Val)

Gene: RET (ret proto-oncogene; plus strand). Cytogenetic location: 10q11.21.
Variant type: single nucleotide variant.
Coding change: c.2890C>G on transcript NM_020975.6 (MANE Select); coding-DNA position 2890, C replaced by G.
Protein change: p.Leu964Val; replaces leucine 964 with valine.
Molecular consequence: missense variant.
Genome position (GRCh38, 1-based): chr10:43,123,759, C>G. VCF-style: chr10-43123759-C-G. GRCh37 (hg19) VCF-style: chr10-43619207-C-G.
Other names: c.2890C>G, p.Leu964Val (NM_000323.2, NM_001406743.1, NM_001406744.1 and 4 more transcripts); c.2128C>G, p.Leu710Val (NM_001355216.2); c.2761C>G, p.Leu921Val (NM_001406761.1, NM_001406762.1, NM_001406764.1); c.2755C>G, p.Leu919Val (NM_001406763.1, NM_001406765.1); c.2602C>G, p.Leu868Val (NM_001406766.1, NM_001406767.1, NM_001406770.1); c.2626C>G, p.Leu876Val (NM_001406768.1); c.2494C>G, p.Leu832Val (NM_001406769.1, NM_001406772.1); c.2452C>G, p.Leu818Val (NM_001406771.1, NM_001406773.1); and 10 more; short protein forms L710V, L964V, L529V, L569V, L665V, L789V, L868V, L919V.
Identifiers: ClinVar variation 1063321 (VCV001063321.10), dbSNP rs533682776, ClinGen allele CA376557896.

ClinVar aggregate classification (germline): Uncertain significance (1 of 4 stars; one submission).

Conditions:
Multiple endocrine neoplasia, type 2 (MEN2). Identifiers: Orphanet 653, MedGen C4048306, MONDO:0019003. Disease mechanism: gain of function.

Submission:

Labcorp Genetics (formerly Invitae), Labcorp
Classification: Uncertain significance for Multiple endocrine neoplasia, type 2. Last evaluated: 2020-03-23. Review status: criteria provided, single submitter. Criteria: Invitae Variant Classification Sherloc (09022015). Collection method: clinical testing. Allele origin: germline.
Comment: This variant has not been reported in the literature in individuals with RET-related conditions. Algorithms developed to predict the effect of missense changes on protein structure and function are either unavailable or do not agree on the potential impact of this missense change (SIFT: "Deleterious"; PolyPhen-2: "Probably Damaging"; Align-GVGD: "Class C0"). In summary, the available evidence is currently insufficient to determine the role of this variant in disease. Therefore, it has been classified as a Variant of Uncertain Significance. This variant is not present in population databases (ExAC no frequency). This sequence change replaces leucine with valine at codon 964 of the RET protein (p.Leu964Val). The leucine residue is highly conserved and there is a small physicochemical difference between leucine and valine.